The following is an entry in ClinVar:

NM_005045.4(RELN):c.34C>G (p.Leu12Val)

Gene: RELN (reelin; minus strand). Cytogenetic location: 7q22.1.
Variant type: single nucleotide variant.
Coding change: c.34C>G on transcript NM_005045.4 (MANE Select); coding-DNA position 34, C replaced by G.
Protein change: p.Leu12Val; replaces leucine 12 with valine.
Molecular consequence: missense variant.
Genome position (GRCh38, 1-based): chr7:103,989,323, G>C on the plus strand (C>G on the coding strand, the complement: RELN is on the minus strand). VCF-style: chr7-103989323-G-C. GRCh37 (hg19) VCF-style: chr7-103629770-G-C.
Other names: c.34C>G, p.Leu12Val (NM_173054.3); short protein forms L12V.
Identifiers: ClinVar variation 4085223 (VCV004085223.8).

ClinVar aggregate classification (germline): Uncertain significance (1 of 4 stars; one submission).

Submission:

CeGaT Center for Human Genetics Tuebingen
Classification: Uncertain significance. Last evaluated: 2025-06-01. Review status: criteria provided, single submitter. Criteria: CeGaT Center For Human Genetics Tuebingen Variant Classification Criteria Version 2. Collection method: clinical testing. Allele origin: germline. Affected: yes. Observed: 1 variant allele.
Comment: RELN: PM2